The following continues an entry in ClinVar:

NM_000431.4(MVK):c.1129G>A (p.Val377Ile)

Gene: MVK. ClinVar aggregate classification (germline): Pathogenic/Likely pathogenic. Pathogenic (41); Likely pathogenic (5).

Submissions 9 to 25 of 54:

Variantyx, Inc.
Classification: Likely pathogenic for autosomal recessive MVK-related disorders. Last evaluated: 2025-03-01. Review status: criteria provided, single submitter. Criteria: Variantyx Assertion Criteria 2022. Collection method: clinical testing. Allele origin: germline. Inheritance: Autosomal recessive inheritance. Affected: yes.
Comment: This is a nonsynonymous variant in the MVK gene (OMIM: 251170). Pathogenic variants in this gene have been associated with autosomal recessive MVK-related disorders. This variant has been identified in the homozygous or compound heterozygous state in at least 7 individual(s) from the published literature (PMID: 23979089, 24470648, 31474985, 26977311) (PM3_Very_Strong). Functional studies have shown that this variant alters MVK protein function (PMID: 26977311) (PS3_Moderate). Computational algorithms produce conflicting evidence regarding the predicted functional impact of this variant (REVEL score: 0.547). This variant has a 0.2504% maximum allele frequency in non-founder control populations. Based on the current evidence, this variant is classified as likely pathogenic for autosomal recessive MVK-related disorders.

Laboratory of Genetics, Children's Clinical University Hospital Latvia
Classification: Pathogenic. Last evaluated: 2025-02-16. Review status: criteria provided, single submitter. Criteria: ACMG Guidelines, 2015. Collection method: clinical testing. Allele origin: germline. Affected: yes.

Revvity Omics, Revvity
Classification: Pathogenic. Last evaluated: 2024-12-06. Review status: criteria provided, single submitter. Criteria: ACMG Guidelines, 2015. Collection method: clinical testing. Allele origin: germline.

Mayo Clinic Laboratories, Mayo Clinic
Classification: Pathogenic. Last evaluated: 2024-12-02. Review status: criteria provided, single submitter. Criteria: ACMG Guidelines, 2015. Collection method: clinical testing. Allele origin: germline. Observed: 10 variant alleles.
Comment: PP4, PM3, PS3, PS4

Blueprint Genetics
Classification: Pathogenic for MVK-related disorders. Last evaluated: 2024-11-21. Review status: criteria provided, single submitter. Criteria: ACMG Guidelines, 2015. Collection method: clinical testing. Allele origin: germline. Affected: yes. Observed: 5 variant alleles.

Molecular Genetics Laboratory, BC Children's and BC Women's Hospitals
Classification: Pathogenic for Hyperimmunoglobulin D with periodic fever. Last evaluated: 2024-07-12. Review status: criteria provided, single submitter. Criteria: ACMG Guidelines, 2015. Collection method: clinical testing. Allele origin: maternal. Affected: yes.

Genomic Medicine Center of Excellence, King Faisal Specialist Hospital and Research Centre
Classification: Pathogenic for Hyperimmunoglobulin D with periodic fever. Last evaluated: 2024-03-26. Review status: criteria provided, single submitter. Criteria: ACMG Guidelines, 2015. Collection method: clinical testing. Allele origin: germline.

Pittsburgh Clinical Genomics Laboratory, University of Pittsburgh Medical Center
Classification: Pathogenic for Mevalonic aciduria. Last evaluated: 2024-03-22. Review status: criteria provided, single submitter. Criteria: ACMG Guidelines, 2015. Collection method: clinical testing. Allele origin: germline. Inheritance: Autosomal unknown. Affected: yes.
Comment: This sequence variant is a single nucleotide substitution (G>A) at position 1129 of the coding sequence of the MVK gene that results in a valine to isoleucine amino acid change at residue 377 of the mevalonate kinase protein. This is a previously reported variant (ClinVar 11929) that has been observed in a homozygous or compound heterozygous state in individuals affected by hyperimmunoglobulinaemia D and periodic fever syndrome (HIDS) and MK enzyme deficiency (MKD) (PMID: 10369261, 10369262, 10896296, 11313769, 12444096, 15536479, 17105862, 22038276, 23979089, 24360083, 24177804, 24233262, 24470648, 24561416, 25708585, 25866490, 26986117, 27213830, 31474985, 32822427, 33917151, 34525209, 34809655, 35387795). Additionally, the homozygous state of this variant is predicted to have variable penetrance of disease (PMID: 12634869, 25708585). This variant is present in 3382 of 1612856 alleles (0.2097%) in the gnomAD v4.0.0 population dataset. Multiple bioinformatic tools predict that this amino acid change would be neutral, and the Val377 residue at this position is moderately conserved across the vertebrate species examined. Studies examining the functional consequence of this variant have found reduced or undetectable mevalonate kinase activity and MK protein expression in affected individuals (PMID: 10369261). Based upon the evidence, we consider this variant to be pathogenic. ACMG Criteria: BP4, PM3, PP1, PS3, PS4

Genomic Research Center, Shahid Beheshti University of Medical Sciences
Classification: Pathogenic for MVK-related disorder. Last evaluated: 2024-02-12. Review status: criteria provided, single submitter. Criteria: ACMG Guidelines, 2015. Collection method: clinical testing. Allele origin: unknown. Affected: yes.

Intergen Genetics and Rare Diseases Diagnosis Center
Classification: Pathogenic for Hyperimmunoglobulin D with periodic fever. Last evaluated: 2023-08-31. Review status: criteria provided, single submitter. Criteria: ACMG Guidelines, 2015. Collection method: clinical testing. Allele origin: germline. Inheritance: Autosomal recessive inheritance. Affected: no. Observed: 1 heterozygote.

GeneDx
Classification: Pathogenic. Last evaluated: 2023-06-19. Review status: criteria provided, single submitter. Criteria: GeneDx Variant Classification Process June 2021. Collection method: clinical testing. Allele origin: germline. Affected: yes.
Comment: Published functional studies indicate that p.(V377I) leads to a decrease in enzyme activity and decreased stability when expressed in E. coli (Houten et al., 1999); In silico analysis supports that this missense variant does not alter protein structure/function; This variant is associated with the following publications: (PMID: 23692791, 12634869, 21228398, 23979089, 24561416, 25708585, 30030262, 24177804, 19011501, 34525209, 34809655, 24360083, 24470648, 10369262, 10369261, 15188372, 26300074, 26633545, 26977311, 11313769, 26116953, 15657603, 27899390, 13130485, 26990548, 28638818, 18839211, 24716072, 15536479, 25866490, 24233262, 22038276, 30609409, 26620804, 29290516, 10896296, 30148429, 31474985, 30783801, 31664448, 34573280, 34426522, 34054914, 31589614, 32822427, 32888943, 35418827, 33917151, 35163749, 17105862, 26986117, 35387795, 35753512)

Women's Health and Genetics/Laboratory Corporation of America, LabCorp
Classification: Pathogenic for Hyperimmunoglobulin D with periodic fever. Last evaluated: 2023-04-14. Review status: criteria provided, single submitter. Criteria: LabCorp Variant Classification Summary - May 2015. Collection method: clinical testing. Allele origin: germline.
Comment: Variant summary: MVK c.1129G>A (p.Val377Ile) results in a conservative amino acid change in the encoded protein sequence. Three of five in-silico tools predict a damaging effect of the variant on protein function. The variant allele was found at a frequency of 0.0016 in 249414 control chromosomes, predominantly at a frequency of 0.0023 within the Non-Finnish European subpopulation in the gnomAD database. c.1129G>A has been reported in the literature in multiple individuals affected with Hyper-IgD syndrome (HIDS), including in cases where it was in trans with a pathogenic variant and it has been found to segregate with disease (e.g. Houten_1999, Cuisset_2001, Govindaraj_2020). It is reportedly the most frequently occurring variant identified in HIDS patients (Houten_2003). These data indicate that the variant is very likely to be associated with disease. At least one publication reports experimental evidence evaluating an impact on protein function and found that the variant is associated with an MK activity of approximately 40% of WT in E.coli lysates and that it was undetectable by immunoblot in fibroblast lysates from HIDS patients, suggesting it also impacts protein stability (Houten_1999). Multiple clinical diagnostic laboratories have submitted clinical-significance assessments for this variant to ClinVar after 2014 and the majority classified it as pathogenic (n=27)/likely pathogenic (n=2), with the remaining classifying it as VUS (n=2). Based on the evidence outlined above, the variant was classified as pathogenic.

Institute of Human Genetics, Univ. Regensburg, Univ. Regensburg
Classification: Pathogenic for Retinal dystrophy. Last evaluated: 2023-01-01. Review status: criteria provided, single submitter. Criteria: ACMG Guidelines, 2015. Collection method: clinical testing. Allele origin: germline. Affected: yes.

Dubai Health Genomic Medicine Center, Dubai Health
Classification: Pathogenic. Last evaluated: 2022-12-17. Review status: criteria provided, single submitter. Criteria: ACMG Guidelines, 2015. Collection method: clinical testing. Allele origin: germline. Affected: yes.

Clinical Genetics Laboratory, Skane University Hospital Lund
Classification: Pathogenic. Last evaluated: 2022-10-14. Review status: criteria provided, single submitter. Criteria: ACMG Guidelines, 2015. Collection method: clinical testing. Allele origin: germline. Affected: yes.

Laboratorio de Genetica e Diagnostico Molecular, Hospital Israelita Albert Einstein
Classification: Pathogenic for Hyperimmunoglobulin D with periodic fever. Last evaluated: 2022-08-11. Review status: criteria provided, single submitter. Criteria: ACMG Guidelines, 2015. Collection method: clinical testing. Allele origin: germline. Affected: yes. Observed: 1 variant allele.
Comment: ACMG classification criteria: PS3 supporting, PS4 strong, PM3 very strong, PP1 supporting

Dasa
Classification: Pathogenic for MVK-related disorder. Last evaluated: 2022-06-10. Review status: criteria provided, single submitter. Criteria: ACMG Guidelines, 2015. Collection method: clinical testing. Allele origin: germline. Affected: yes. Observed: 1 variant allele.
Comment: The c.1129G>A;p.(Val377Ile) missense change has been observed in affected individual(s)(PMID: 33917151; 26986117; 15536479; 32822427; 17105862) - PS4. The p.(Val377Ile) was detected in trans with a Pathogenic variant (PMID: 33917151; 26986117; 15536479; 32822427; 17105862) - PM3_strong. The variant co-segregated with disease in multiple affected family members (PMID: 32822427; 17105862) - PP1 andallele frequency is greater than expected for disorder - BS1. In summary, the currently available evidence indicates that the variant is Pathogenic